The following is an entry in ClinVar:

NM_004360.5(CDH1):c.2258A>G (p.Tyr753Cys)

Gene: CDH1 (cadherin 1; plus strand). Cytogenetic location: 16q22.1.
Variant type: single nucleotide variant.
Coding change: c.2258A>G on transcript NM_004360.5 (MANE Select); coding-DNA position 2258, A replaced by G.
Protein change: p.Tyr753Cys; replaces tyrosine 753 with cysteine.
Molecular consequence: missense variant.
Genome position (GRCh38, 1-based): chr16:68,828,267, A>G. VCF-style: chr16-68828267-A-G. GRCh37 (hg19) VCF-style: chr16-68862170-A-G.
Other names: c.2075A>G, p.Tyr692Cys (NM_001317184.2); c.710A>G, p.Tyr237Cys (NM_001317185.2); c.293A>G, p.Tyr98Cys (NM_001317186.2); short protein forms Y692C, Y237C, Y753C, Y98C.
Identifiers: ClinVar variation 820973 (VCV000820973.7), dbSNP rs1596970973, ClinGen allele CA396469906.

ClinVar aggregate classification (germline): Uncertain significance. Review status: criteria provided, multiple submitters, no conflicts (2 of 4 stars). 2 submissions from 2 submitters: Uncertain significance (2). Last evaluated 2024-06-17.

Conditions:
Hereditary cancer-predisposing syndrome. Also called: Hereditary Cancer Syndrome; Neoplastic Syndromes, Hereditary; Hereditary neoplastic syndrome; Tumor predisposition. Identifiers: Orphanet 140162, MedGen C0027672, MeSH D009386, MONDO:0015356.
Hereditary diffuse gastric adenocarcinoma (HDGC). Also called: DIFFUSE GASTRIC AND LOBULAR BREAST CANCER SYNDROME. Identifiers: Orphanet 26106, MedGen C1708349, MONDO:0007648, OMIM 137215.

Submissions (2):

Labcorp Genetics (formerly Invitae), Labcorp
Classification: Uncertain significance for Hereditary diffuse gastric adenocarcinoma. Last evaluated: 2024-06-17. Review status: criteria provided, single submitter. Criteria: Invitae Variant Classification Sherloc (09022015). Collection method: clinical testing. Allele origin: germline.
Comment: This sequence change replaces tyrosine, which is neutral and polar, with cysteine, which is neutral and slightly polar, at codon 753 of the CDH1 protein (p.Tyr753Cys). This variant is not present in population databases (gnomAD no frequency). This variant has not been reported in the literature in individuals affected with CDH1-related conditions. ClinVar contains an entry for this variant (Variation ID: 820973). An algorithm developed to predict the effect of missense changes on protein structure and function (PolyPhen-2) suggests that this variant is likely to be disruptive. In summary, the available evidence is currently insufficient to determine the role of this variant in disease. Therefore, it has been classified as a Variant of Uncertain Significance.

Ambry Genetics
Classification: Uncertain significance for Hereditary cancer-predisposing syndrome. Last evaluated: 2018-02-06. Review status: criteria provided, single submitter. Criteria: Ambry Variant Classification Scheme 2023. Collection method: clinical testing. Allele origin: germline.
Comment: The p.Y753C variant (also known as c.2258A>G), located in coding exon 14 of the CDH1 gene, results from an A to G substitution at nucleotide position 2258. The tyrosine at codon 753 is replaced by cysteine, an amino acid with highly dissimilar properties. This amino acid position is highly conserved through mammals but not in all available vertebrate species. In addition, the in silico prediction for this alteration is inconclusive. Since supporting evidence is limited at this time, the clinical significance of this alteration remains unclear.